The following is an entry in ClinVar:

ClinVar aggregate classification (germline): Likely benign (1 of 4 stars; one submission).

Submission:

CeGaT Center for Human Genetics Tuebingen
Classification: Likely benign. Last evaluated: 2026-09-01. Review status: criteria provided, single submitter. Criteria: CeGaT Center For Human Genetics Tuebingen Variant Classification Criteria Version 2. Collection method: clinical testing. Allele origin: germline. Affected: yes. Observed: 1 variant allele.
Comment: LIMK1: PM2:Supporting, BP4, BP7

NM_002314.4(LIMK1):c.567G>C (p.Pro189=)

Gene: LIMK1 (LIM domain kinase 1; plus strand). Cytogenetic location: 7q11.23.
Variant type: single nucleotide variant.
Coding change: c.567G>C on transcript NM_002314.4 (MANE Select); coding-DNA position 567, G replaced by C.
Protein change: p.Pro189=; no amino-acid change (proline 189 retained).
Molecular consequence: synonymous variant.
Genome position (GRCh38, 1-based): chr7:74,099,197, G>C. VCF-style: chr7-74099197-G-C. GRCh37 (hg19) VCF-style: chr7-73513527-G-C.
Other names: c.465G>C, p.Pro155= (NM_001204426.2).
Identifiers: ClinVar variation 5041748 (VCV005041748.1).